The following is an entry in ClinVar:

ClinVar aggregate classification (germline): Pathogenic. Review status: criteria provided, multiple submitters, no conflicts (2 of 4 stars). 13 submissions from 13 submitters: Pathogenic (11). 2 of the submissions do not count toward it. Last evaluated 2026-02-09.

Conditions:
Polycystic kidney disease. Also called: Polycystic kidney dysplasia; Kidney, Polycystic. Identifiers: MedGen C0022680, MeSH D007690, MONDO:0020642, HP:0000113.
PKD2-related disorder. Also called: PKD2-related condition.
Autosomal dominant polycystic kidney disease. Identifiers: Orphanet 730, MedGen C0085413, MONDO:0004691.
Polycystic kidney disease 2 (PKD2). Also called: POLYCYSTIC KIDNEY DISEASE, ADULT, TYPE II; POLYCYSTIC KIDNEY DISEASE 2 WITH OR WITHOUT POLYCYSTIC LIVER DISEASE; Polycystic Kidney Disease 2, Autosomal Dominant. Identifiers: MedGen C2751306, MONDO:0013131, OMIM 613095.

Allele frequency attached by ClinVar (database versions not stated): TOPMed below 0.00001; gnomAD 0.00001.

Submissions (13):

Women's Health and Genetics/Laboratory Corporation of America, LabCorp
Classification: Pathogenic for Polycystic kidney disease 2. Last evaluated: 2026-02-09. Review status: criteria provided, single submitter. Criteria: LabCorp Variant Classification Summary - May 2015. Collection method: clinical testing. Allele origin: germline.
Comment: Variant summary: PKD2 c.637C>T (p.Arg213X) results in a premature termination codon, predicted to cause a truncation of the encoded protein or absence of the protein due to nonsense mediated decay, which are commonly known mechanisms for disease. The variant allele was found at a frequency of 1.9e-06 in 1606664 control chromosomes. c.637C>T has been observed in individuals affected with Polycystic Kidney Disease 2 (e.g., Groopman_2019, Robinson_2012). These data indicate that the variant may be associated with disease. The following publications have been ascertained in the context of this evaluation (PMID: 30586318, 22863349). ClinVar contains an entry for this variant (Variation ID: 543947). Based on the evidence outlined above, the variant was classified as pathogenic.

Mayo Clinic Laboratories, Mayo Clinic
Classification: Pathogenic. Last evaluated: 2025-12-18. Review status: criteria provided, single submitter. Criteria: ACMG Guidelines, 2015. Collection method: clinical testing. Allele origin: germline. Observed: 3 variant alleles.
Comment: PM2_supporting, PS4_moderate, PVS1

Labcorp Genetics (formerly Invitae), Labcorp
Classification: Pathogenic for Autosomal dominant polycystic kidney disease. Last evaluated: 2025-06-27. Review status: criteria provided, single submitter. Criteria: Invitae Variant Classification Sherloc (09022015). Collection method: clinical testing. Allele origin: germline.
Comment: This sequence change creates a premature translational stop signal (p.Arg213*) in the PKD2 gene. It is expected to result in an absent or disrupted protein product. Loss-of-function variants in PKD2 are known to be pathogenic (PMID: 17582161, 22863349). This variant is present in population databases (no rsID available, gnomAD 0.01%). This premature translational stop signal has been observed in individuals with a personal and/or family history of autosomal dominant polycystic kidney disease (PMID: 22863349, 25333066, 27499327). ClinVar contains an entry for this variant (Variation ID: 543947). For these reasons, this variant has been classified as Pathogenic.

GeneDx
Classification: Pathogenic. Last evaluated: 2025-04-22. Review status: criteria provided, single submitter. Criteria: GeneDx Variant Classification Process June 2021. Collection method: clinical testing. Allele origin: germline. Affected: yes.
Comment: Nonsense variant predicted to result in protein truncation or nonsense mediated decay in a gene for which loss-of-function is a known mechanism of disease; Not observed at significant frequency in large population cohorts (gnomAD); This variant is associated with the following publications: (PMID: 25333066, 27499327, 31589614, 36964972, 35372954, 22863349, 33437033, 35005812, 30586318)

Blueprint Genetics
Classification: Pathogenic for PKD2-related disorders. Last evaluated: 2024-07-11. Review status: criteria provided, single submitter. Criteria: ACMG Guidelines, 2015. Collection method: clinical testing. Allele origin: germline. Affected: yes. Observed: 2 variant alleles.

Fulgent Genetics
Classification: Pathogenic for Polycystic kidney disease 2. Last evaluated: 2022-03-21. Review status: criteria provided, single submitter. Criteria: ACMG Guidelines, 2015. Collection method: clinical testing. Allele origin: unknown.

Athena Diagnostics
Classification: Pathogenic. Last evaluated: 2019-12-30. Review status: criteria provided, single submitter. Criteria: Athena Diagnostics Criteria. Collection method: clinical testing. Allele origin: unknown.
Comment: The variant creates a premature nonsense codon, and is therefore predicted to result in the loss of a functional protein. Found in at least one patient with expected phenotype for this gene, and found in general population data at a frequency that is consistent with pathogenicity.

ARUP Laboratories, Molecular Genetics and Genomics, ARUP Laboratories
Classification: Pathogenic for Polycystic kidney disease 2. Last evaluated: 2019-06-05. Review status: criteria provided, single submitter. Criteria: ARUP Molecular Germline Variant Investigation Process. Collection method: clinical testing. Allele origin: germline.
Comment: The PKD2 c.637C>T; p.Arg213Ter variant (rs1302726543) is reported in the literature in multiple individuals affected with autosomal dominant polycystic kidney disease (Carrera 2016, Robinson 2012, Trujillano 2014). This variant is found on a single chromosome (1/31368 alleles) in the Genome Aggregation Database, indicating it is not a common polymorphism, and it is reported as pathogenic by several laboratories in ClinVar (Variation ID: 543947). This variant induces an early termination codon and is predicted to result in a truncated protein or mRNA subject to nonsense-mediated decay. Based on available information, this variant is considered to be pathogenic. References: Carrera P et al. Deciphering Variability of PKD1 and PKD2 in an Italian Cohort of 643 Patients with Autosomal Dominant Polycystic Kidney Disease (ADPKD). Sci Rep. 2016 Aug 8;6:30850. Robinson C et al. Clinical utility of PKD2 mutation testing in a polycystic kidney disease cohort attending a specialist nephrology out-patient clinic. BMC Nephrol. 2012 Aug 3;13:79. Trujillano D et al. Diagnosis of autosomal dominant polycystic kidney disease using efficient PKD1 and PKD2 targeted next-generation sequencing. Mol Genet Genomic Med. 2014 Sep;2(5):412-21.

Molecular Genetics of Inherited Kidney Disorders Laboratory, Garvan Institute of Medical Research
Classification: Pathogenic. Last evaluated: 2019-01-01. Review status: criteria provided, single submitter. Criteria: ACMG Guidelines, 2015. Collection method: clinical testing. Allele origin: germline. Affected: yes.

Juno Genomics, Hangzhou Juno Genomics, Inc
Classification: Pathogenic for Polycystic kidney disease 2. Review status: criteria provided, single submitter. Criteria: ACMG Guidelines, 2015. Collection method: clinical testing. Allele origin: germline.
Comment: Absent from controls (or at extremely low frequency if recessive) in Genome Aggregation Database.;Null variant in a gene where loss of function (LOF) is a known mechanism of disease.;The prevalence of the variant in affected individuals is significantly increased compared to the prevalence in controls.

Neuberg Centre For Genomic Medicine, NCGM
Classification: Pathogenic for Polycystic kidney disease 2. Review status: criteria provided, single submitter. Criteria: ACMG Guidelines, 2015. Collection method: clinical testing. Allele origin: germline. Inheritance: Autosomal dominant inheritance. Affected: yes.
Comment: The c.637C>T(p.Arg213Ter) stop gained variant in PKD2 gene has been reported in several individuals with a personal and/or family history of autosomal dominant polycystic kidney disease (Robinson et al., 2012; Trujillano et al., 2014). This variant is reported with the allele frequency (0.003%) in the gnomad and novel in 1000 genome database. This variant has been reported to the ClinVar database as Pathogenic. The nucleotide change c.637C>T in PKD2 is predicted as conserved by GERP++ and PhyloP across 100 vertebrates. Loss-of-function variants in PKD2 are known to be pathogenic (Robinson et al., 2012). For these reasons, this variant has been classified as Pathogenic.

Gharavi Laboratory, Columbia University
Classification: Pathogenic. Last evaluated: 2018-09-16. Review status: no assertion criteria provided. Criteria: ACMG Guidelines, 2015. Collection method: research. Allele origin: germline. Affected: yes. Not counted in ClinVar's aggregate classification.

Department of Pathology and Laboratory Medicine, Sinai Health System
Classification: Pathogenic for Polycystic Kidney disease. Review status: no assertion criteria provided. Collection method: clinical testing. Allele origin: unknown. Affected: yes. Observed: 1 variant allele. Study: The Canadian Open Genetics Repository (COGR). Not counted in ClinVar's aggregate classification.
Comment: The PKD2 p.Arg213* variant was identified in 9 of 1642 proband chromosomes (frequency: 0.005) from individuals or families with ADPKD (Carrera 2016, Robinson 2012, Trujillano 2014). The variant was also identified in the ClinVar database (classified as pathogenic by Invitae and one clinical laboratory), COSMIC (1x in breast tissue), and in LOVD 3.0(2x). The variant was not identified in dbSNP, ADPKD Mutation Database, ADPKD-LOVD or COGR databases. The variant was identified in control databases in 1 of 30942 chromosomes at a frequency of 0.00003 (Genome Aggregation Database Feb 27, 2017). It was observed in the African population in 1 of 8718 chromosomes (freq: 0.0001), but not in the European, â€šÃ„ÃºOtherâ€šÃ„Ã¹, Latino, Ashkenazi Jewish, East Asian, Finnish, and South Asian populations. The p.Arg213* variant leads to a premature stop codon at position 213, which is predicted to lead to a truncated or absent protein and loss of function. Loss of function variants of the PKD2 gene are an established mechanism of disease in autosomal dominant polycystic kidney disease and is the type of variant expected to cause the disorder. In summary, based on the above information, this variant meets our laboratoryâ€šÃ„Ã´s criteria to be classified as pathogenic.

Literature cited by the submitters: PubMed 30586318 (cited by Women's Health and Genetics/Laboratory Corporation of America, LabCorp and Mayo Clinic Laboratories, Mayo Clinic); PubMed 22863349 (cited by 4 submitters); PubMed 33437033 (cited by Mayo Clinic Laboratories, Mayo Clinic); PubMed 35005812 (cited by Mayo Clinic Laboratories, Mayo Clinic); PubMed 35372954 (cited by Mayo Clinic Laboratories, Mayo Clinic); PubMed 36964972 (cited by Mayo Clinic Laboratories, Mayo Clinic); PubMed 37372416 (cited by Mayo Clinic Laboratories, Mayo Clinic); PubMed 37509056 (cited by Mayo Clinic Laboratories, Mayo Clinic); PubMed 17582161 (cited by Labcorp Genetics (formerly Invitae), Labcorp); PubMed 25333066 (cited by Labcorp Genetics (formerly Invitae), Labcorp and Athena Diagnostics); PubMed 27499327 (cited by Labcorp Genetics (formerly Invitae), Labcorp and Athena Diagnostics).

NM_000297.4(PKD2):c.637C>T (p.Arg213Ter)

Gene: PKD2 (polycystin 2, transient receptor potential cation channel; plus strand). Cytogenetic location: 4q22.1.
Variant type: single nucleotide variant.
Coding change: c.637C>T on transcript NM_000297.4 (MANE Select); coding-DNA position 637, C replaced by T.
Protein change: p.Arg213Ter; replaces arginine 213 with a stop codon.
Molecular consequence: nonsense. On other transcripts: non-coding transcript variant (1).
Genome position (GRCh38, 1-based): chr4:88,019,499, C>T. VCF-style: chr4-88019499-C-T. GRCh37 (hg19) VCF-style: chr4-88940651-C-T.
Other names: p.Arg213*; short protein forms R213*.
Identifiers: ClinVar variation 543947 (VCV000543947.28), dbSNP rs1302726543, ClinGen allele CA10575461.